The following is an entry in ClinVar:

NC_000002.11:g.(238247761_238249094)_(238257307_238258789)del

Gene: COL6A3 (collagen type VI alpha 3 chain; minus strand). Cytogenetic location: 2q37.3.
Variant type: Deletion.
Identifiers: ClinVar variation 2581198 (VCV002581198.1).

ClinVar aggregate classification (germline): Likely pathogenic (1 of 4 stars; one submission).

Conditions:
Ullrich congenital muscular dystrophy 1A. Also called: Ullrich congenital muscular dystrophy 1; Intermediate COL6-RD. Identifiers: Orphanet 75840, MedGen C0410179, MONDO:0009681, OMIM 254090.

Submission:

Women's Health and Genetics/Laboratory Corporation of America, LabCorp
Classification: Likely pathogenic for Ullrich congenital muscular dystrophy 1A. Last evaluated: 2023-08-18. Review status: criteria provided, single submitter. Criteria: LabCorp Variant Classification Summary - May 2015. Collection method: clinical testing. Allele origin: germline.
Comment: Variant summary: The variant identified by MLPA or other technology involves the deletion of exons 29-38 in the COL6A3 gene. A presumed nomenclature of c.(6879+1_6880-1)_(8464+1_8465-1)del has been designated for the purposes of this classification. Although exact breakpoints of this deletion are not known, it is expected to result in a frameshift in the COL6A3 gene, a known mechanism of disease. The variant was absent in 21694 control chromosomes (gnomAD). To our knowledge, no occurrence of c.(6879+1_6880-1)_(8464+1_8465-1)del in individuals affected with Ullrich Congenital Muscular Dystrophy 1 and no experimental evidence demonstrating its impact on protein function have been reported. No submitters have cited clinical-significance assessments for this variant to ClinVar after 2014. Based on the evidence outlined above, the variant was classified as likely pathogenic.